The following is an entry in ClinVar:

NM_000201.3(ICAM1):c.1212G>A (p.Pro404=)

Gene: ICAM1 (intercellular adhesion molecule 1; plus strand). Cytogenetic location: 19p13.2.
Variant type: single nucleotide variant.
Coding change: c.1212G>A on transcript NM_000201.3 (MANE Select); coding-DNA position 1212, G replaced by A.
Protein change: p.Pro404=; no amino-acid change (proline 404 retained).
Molecular consequence: synonymous variant.
Genome position (GRCh38, 1-based): chr19:10,284,814, G>A. VCF-style: chr19-10284814-G-A. GRCh37 (hg19) VCF-style: chr19-10395490-G-A.
Identifiers: ClinVar variation 1675090 (VCV001675090.1), dbSNP rs753646159, ClinGen allele CA9190045.

ClinVar aggregate classification (germline): Uncertain significance (1 of 4 stars; one submission).

Conditions:
Malaria, susceptibility to. Identifiers: Orphanet 673, MedGen C1970028, MONDO:0021024, OMIM 611162.

Allele frequency attached by ClinVar (database versions not stated): gnomAD exomes 0.00001; ExAC 0.00002; TOPMed 0.00004; gnomAD 0.00005 and 0.00006.
gnomAD v4.1: 25 of 1,601,228 alleles (0.0016%); highest among the groups gnomAD compares: African/African-American, 0.0095%; no homozygotes.

Submission:

Center for Genomics, Ann and Robert H. Lurie Children's Hospital of Chicago
Classification: Uncertain significance for Malaria, susceptibility to. Last evaluated: 2022-02-16. Review status: criteria provided, single submitter. Criteria: ACMG Guidelines, 2015. Collection method: clinical testing. Allele origin: germline.
Comment: ICAM1 NM_000201.2 exon 6 p.Pro404= (c.1212G>A): This variant has not been reported in the literature but is present in 0.01% (5/41448) of African alleles in the Genome Aggregation Database. Evolutionary conservation and computational predictive tools for this variant are limited or unavailable. Of note, this variant is a silent variant and does not change the amino acid, reducing the probability that this variant is disease causing. In summary, data on this variant is insufficient for disease classification. Therefore, the clinical significance of this variant is uncertain.